The following is an entry in ClinVar:

NM_001267550.2(TTN):c.25717A>C (p.Ile8573Leu)

Gene: TTN (titin; minus strand). Cytogenetic location: 2q31.2.
Variant type: single nucleotide variant.
Coding change: c.25717A>C on transcript NM_001267550.2 (MANE Select); coding-DNA position 25717, A replaced by C.
Protein change: p.Ile8573Leu; replaces isoleucine 8573 with leucine.
Molecular consequence: missense variant. On other transcripts: intron variant (3).
Genome position (GRCh38, 1-based): chr2:178,715,697, T>G on the plus strand (A>C on the coding strand, the complement: TTN is on the minus strand). VCF-style: chr2-178715697-T-G. GRCh37 (hg19) VCF-style: chr2-179580424-T-G.
Other names: c.24766A>C, p.Ile8256Leu (NM_001256850.1); c.21985A>C, p.Ile7329Leu (NM_133378.4); c.13282+22385A>C (NM_003319.4); c.13858+22385A>C (NM_133437.4); c.13657+22385A>C (NM_133432.3); short protein forms I8573L, I7329L, I8256L.
Identifiers: ClinVar variation 535455 (VCV000535455.4), dbSNP rs142609645, ClinGen allele CA2000154.
Genomic context (GRCh38, chr2:178,715,697, plus strand): 5'-TCTCTTGAATTTCAGTCTCGTCCTTATACCATAAAACTTTGATTTCTGGAGACCCACCGA[T>G]TTTGCATTCATACCTTGTGAATTCATCCTGTTTCACAATTCTTGAAGGTTCTAGCTTCTT-3'
Protein context (NP_001254479.2, residues 8563-8583): QDEFTRYECK[Ile8573Leu]GGSPEIKVLW

ClinVar aggregate classification (germline): Uncertain significance. Review status: criteria provided, multiple submitters, no conflicts (2 of 4 stars). 2 submissions from 2 submitters: Uncertain significance (2). Last evaluated 2026-05-19.

Conditions:
Dilated cardiomyopathy 1G (CMD1G). Identifiers: Orphanet 154, MedGen C1858763, MONDO:0011400, OMIM 604145.
Autosomal recessive limb-girdle muscular dystrophy type 2J (LGMDR10). Also called: MUSCULAR DYSTROPHY, LIMB-GIRDLE, AUTOSOMAL RECESSIVE 10; Limb-girdle muscular dystrophy, type 2J. Identifiers: Orphanet 140922, MedGen C1837342, MONDO:0012127, OMIM 608807.
TTN-related disorder. Also called: TTN-related condition; TTN-related disease; TTN-related disorders.

Allele frequency attached by ClinVar (database versions not stated): ExAC 0.00002; TOPMed 0.00005; gnomAD 0.00007; 1000 Genomes Project 30x 0.00016; 1000 Genomes Project 0.00020; gnomAD exomes below 0.00001 and 0.00001.
gnomAD v4.1: 13 of 1,609,678 alleles (0.00081%); highest among the groups gnomAD compares: African/African-American, 0.017%; no homozygotes.

Submissions (2):

PreventionGenetics, part of Exact Sciences
Classification: Uncertain significance for TTN-related condition. Last evaluated: 2026-05-19. Review status: criteria provided, single submitter. Criteria: ACMG Guidelines, 2015. Collection method: clinical testing. Allele origin: germline.
Comment: The TTN c.25717A>C variant is predicted to result in the amino acid substitution p.Ile8573Leu. To our knowledge, this variant has not been reported in the literature. This variant is reported in 0.013% of alleles in individuals of African descent in gnomAD. At this time, the clinical significance of this variant is uncertain due to the absence of conclusive functional and genetic evidence.

Labcorp Genetics (formerly Invitae), Labcorp
Classification: Uncertain significance for Dilated cardiomyopathy 1G; Autosomal recessive limb-girdle muscular dystrophy type 2J. Last evaluated: 2017-09-07. Review status: criteria provided, single submitter. Criteria: Invitae Variant Classification Sherloc (09022015). Collection method: clinical testing. Allele origin: germline.